The following is an entry in ClinVar:

ClinVar aggregate classification (germline): Uncertain significance (1 of 4 stars; one submission).

Conditions:
Adams-Oliver syndrome 5 (AOS5). Identifiers: Orphanet 974, MedGen C4014970, MONDO:0014459, OMIM 616028.

gnomAD v4.1: 3 of 1,602,706 alleles (0.00019%); highest among the groups gnomAD compares: Non-Finnish European, 0.00025%; no homozygotes.

Submission:

Labcorp Genetics (formerly Invitae), Labcorp
Classification: Uncertain significance for Adams-Oliver syndrome 5. Last evaluated: 2020-10-13. Review status: criteria provided, single submitter. Criteria: Invitae Variant Classification Sherloc (09022015). Collection method: clinical testing. Allele origin: germline.
Comment: In summary, the available evidence is currently insufficient to determine the role of this variant in disease. Therefore, it has been classified as a Variant of Uncertain Significance. Advanced modeling of protein sequence and biophysical properties (such as structural, functional, and spatial information, amino acid conservation, physicochemical variation, residue mobility, and thermodynamic stability) performed at Invitae indicates that this missense variant is not expected to disrupt NOTCH1 protein function. This variant has not been reported in the literature in individuals with NOTCH1-related conditions. This variant is not present in population databases (ExAC no frequency). This sequence change replaces proline with arginine at codon 2412 of the NOTCH1 protein (p.Pro2412Arg). The proline residue is weakly conserved and there is a moderate physicochemical difference between proline and arginine.

NM_017617.5(NOTCH1):c.7235C>G (p.Pro2412Arg)

Gene: NOTCH1 (notch receptor 1; minus strand). Cytogenetic location: 9q34.3.
Variant type: single nucleotide variant.
Coding change: c.7235C>G on transcript NM_017617.5 (MANE Select); coding-DNA position 7235, C replaced by G.
Protein change: p.Pro2412Arg; replaces proline 2412 with arginine.
Molecular consequence: missense variant.
Genome position (GRCh38, 1-based): chr9:136,496,504, G>C on the plus strand (C>G on the coding strand, the complement: NOTCH1 is on the minus strand). VCF-style: chr9-136496504-G-C. GRCh37 (hg19) VCF-style: chr9-139390956-G-C.
Other names: short protein forms P2412R.
Identifiers: ClinVar variation 1056177 (VCV001056177.9), dbSNP rs1842916921, ClinGen allele CA375627583.
Genomic context (GRCh38, chr9:136,496,504, plus strand): 5'-CTCCGGCCCAGGTGGCCGCTGGCTGCTGAGCTCACGCCAAGGTGCGGCTGTGGTGGTGGT[G>C]GTGGCGGCTGCAGGCTTTGCTGCTGCTGGATGTTTGCTGGCTGCAGGTTCTGCTGCTGCA-3'
Protein context (NP_060087.3, residues 2402-2422): IQQQQSLQPP[Pro2412Arg]PPPQPHLGVS